The following is an entry in ClinVar:

NM_006904.7(PRKDC):c.9933C>T (p.Asn3311=)

Gene: PRKDC (protein kinase, DNA-activated, catalytic subunit; minus strand). Cytogenetic location: 8q11.21.
Variant type: single nucleotide variant.
Coding change: c.9933C>T on transcript NM_006904.7 (MANE Select); coding-DNA position 9933, C replaced by T.
Protein change: p.Asn3311=; no amino-acid change (asparagine 3311 retained).
Molecular consequence: synonymous variant.
Genome position (GRCh38, 1-based): chr8:47,800,976, G>A on the plus strand (C>T on the coding strand, the complement: PRKDC is on the minus strand). VCF-style: chr8-47800976-G-A. GRCh37 (hg19) VCF-style: chr8-48713537-G-A.
Other names: c.9933C>T, p.Asn3311= (NM_001081640.2).
Identifiers: ClinVar variation 508401 (VCV000508401.35), dbSNP rs201592874, ClinGen allele CA4739431.
Genomic context (GRCh38, chr8:47,800,976, plus strand): 5'-ACCCAAGAGAATGTTCTGGTCACGGAAAGCCAGAATATTTTTGCTTAAGTAGCTTGACAC[G>A]TTGTTCTCATCTGTTGGATTAAAAAAACAAAACAAAACAAAATTTTGTATGTGTGTGTGG-3'
Protein context (NP_008835.5, residues 3301-3321): LKTVSLLDEN[Asn3311=]VSSYLSKNIL

ClinVar aggregate classification (germline): Benign/Likely benign. Review status: criteria provided, multiple submitters, no conflicts (2 of 4 stars). 4 submissions from 4 submitters: Benign (1); Likely benign (3). Last evaluated 2026-01-28.

Conditions:
Severe combined immunodeficiency due to DNA-PKcs deficiency. Also called: IMMUNODEFICIENCY 26 WITH NEUROLOGIC ABNORMALITIES; Immunodeficiency 26 with or without neurologic abnormalities. Identifiers: Orphanet 317425, MedGen C4014833, MONDO:0014423, OMIM 615966.

Allele frequency attached by ClinVar (database versions not stated): gnomAD exomes 0.00015 and 0.00055; 1000 Genomes Project 0.00060; ExAC 0.00066; gnomAD 0.00073 and 0.00080; ESP Exome Variant Server 0.00084; 1000 Genomes Project 30x 0.00094; TOPMed 0.00101.
gnomAD v4.1: 341 of 1,613,606 alleles (0.021%); highest among the groups gnomAD compares: African/African-American, 0.22%; 1 homozygote.

Submissions (4):

Labcorp Genetics (formerly Invitae), Labcorp
Classification: Benign for Severe combined immunodeficiency due to DNA-PKcs deficiency. Last evaluated: 2026-01-28. Review status: criteria provided, single submitter. Criteria: Invitae Variant Classification Sherloc (09022015). Collection method: clinical testing. Allele origin: germline.

CeGaT Center for Human Genetics Tuebingen
Classification: Likely benign. Last evaluated: 2024-02-01. Review status: criteria provided, single submitter. Criteria: CeGaT Center For Human Genetics Tuebingen Variant Classification Criteria Version 2. Collection method: clinical testing. Allele origin: germline. Affected: yes. Observed: 1 variant allele.
Comment: PRKDC: BP4, BP7

Blueprint Genetics
Classification: Likely benign. Last evaluated: 2023-12-29. Review status: criteria provided, single submitter. Criteria: ACMG Guidelines, 2015. Collection method: clinical testing. Allele origin: germline.

GeneDx
Classification: Likely benign. Last evaluated: 2017-03-23. Review status: criteria provided, single submitter. Criteria: GeneDx Variant Classification (06012015). Collection method: clinical testing. Allele origin: germline. Affected: yes.
Comment: This variant is considered likely benign or benign based on one or more of the following criteria: it is a conservative change, it occurs at a poorly conserved position in the protein, it is predicted to be benign by multiple in silico algorithms, and/or has population frequency not consistent with disease.